The following is an entry in ClinVar:

ClinVar aggregate classification (germline): Uncertain significance. Review status: criteria provided, multiple submitters, no conflicts (2 of 4 stars). 14 submissions from 10 submitters: Uncertain significance (11). 3 of the submissions do not count toward it. Last evaluated 2026-09-15.

Conditions:
CEP290-related disorder. Also called: CEP290-related condition; CEP290-related disorders. Identifiers: MedGen CN239314.
Inborn genetic diseases. Identifiers: MedGen C0950123, MeSH D030342.
Nephronophthisis. Also called: Juvenile Nephronophthisis. Identifiers: Orphanet 655, MedGen C0687120, MONDO:0019005, HP:0000090.
Meckel-Gruber syndrome. Also called: Dysencephalia splachnocystica; DYSENCEPHALIA SPLANCHNOCYSTICA; GRUBER SYNDROME. Identifiers: Orphanet 564, MedGen C0265215, MONDO:0018921.
Joubert syndrome. Also called: JOUBERT-BOLTSHAUSER SYNDROME; Familial aplasia of the vermis. Identifiers: Orphanet 475, MedGen C5979921, MONDO:0018772.
Joubert syndrome 5 (JBTS5). Identifiers: Orphanet 2318, MedGen C1857780, MONDO:0012432, OMIM 610188.
Bardet-Biedl syndrome 14 (BBS14). Identifiers: Orphanet 110, MedGen C2673874, MONDO:0014442, OMIM 615991.
Meckel syndrome, type 4 (MKS4). Also called: MECKEL-GRUBER SYNDROME, TYPE 4. Identifiers: Orphanet 564, MedGen C1970161, MONDO:0012626, OMIM 611134.
Senior-Loken syndrome 6 (SLSN6). Identifiers: Orphanet 3156, MedGen C1857779, MONDO:0012433, OMIM 610189.
Leber congenital amaurosis 10 (LCA10). Identifiers: Orphanet 65, MedGen C1857821, MONDO:0012723, OMIM 611755.
Leber congenital amaurosis (LCA). Also called: Leber's amaurosis. Identifiers: Orphanet 65, MedGen C0339527, MeSH D057130, MONDO:0018998.
Intellectual disability. Also called: Intellectual functioning disability; intellectual disabilities; Intellectual developmental disorder. Identifiers: MedGen C3714756, MeSH D008607, MONDO:0001071, HP:0001249.

Allele frequency attached by ClinVar (database versions not stated): gnomAD exomes 0.00017 and 0.00053; ExAC 0.00025; TOPMed 0.00025; gnomAD 0.00031 and 0.00032; 1000 Genomes Project 0.00040; 1000 Genomes Project 30x 0.00047; ESP Exome Variant Server 0.00085.
gnomAD v4.1: 825 of 1,611,964 alleles (0.051%); highest among the groups gnomAD compares: Non-Finnish European, 0.064%; 2 homozygotes.

Submissions (14):

PreventionGenetics, part of Exact Sciences
Classification: Uncertain significance for CEP290-related condition. Last evaluated: 2026-09-15. Review status: criteria provided, single submitter. Criteria: ACMG Guidelines, 2015. Collection method: clinical testing. Allele origin: germline.
Comment: The CEP290 c.5185C>T variant is predicted to result in the amino acid substitution p.Arg1729Trp. To our knowledge, this variant has not been reported in the literature. This variant is reported in 0.030% of alleles in individuals of European (Non-Finnish) descent in gnomAD. At this time, the clinical significance of this variant is uncertain due to the absence of conclusive functional and genetic evidence.

Ambry Genetics
Classification: Uncertain significance for Inborn genetic diseases. Last evaluated: 2025-08-20. Review status: criteria provided, single submitter. Criteria: Ambry Variant Classification Scheme 2023. Collection method: clinical testing. Allele origin: germline.

GeneDx
Classification: Uncertain significance. Last evaluated: 2025-03-03. Review status: criteria provided, single submitter. Criteria: GeneDx Variant Classification Process June 2021. Collection method: clinical testing. Allele origin: germline. Affected: yes.
Comment: In silico analysis supports that this missense variant has a deleterious effect on protein structure/function; Has not been previously published as pathogenic or benign to our knowledge

Labcorp Genetics (formerly Invitae), Labcorp
Classification: Uncertain significance for Joubert syndrome; Meckel-Gruber syndrome; Nephronophthisis. Last evaluated: 2024-11-05. Review status: criteria provided, single submitter. Criteria: Invitae Variant Classification Sherloc (09022015). Collection method: clinical testing. Allele origin: germline.
Comment: This sequence change replaces arginine, which is basic and polar, with tryptophan, which is neutral and slightly polar, at codon 1729 of the CEP290 protein (p.Arg1729Trp). This variant is present in population databases (rs201353893, gnomAD 0.03%). This missense change has been observed in individual(s) with clinical features of retinitis pigmentosa (internal data). ClinVar contains an entry for this variant (Variation ID: 421248). Invitae Evidence Modeling of protein sequence and biophysical properties (such as structural, functional, and spatial information, amino acid conservation, physicochemical variation, residue mobility, and thermodynamic stability) indicates that this missense variant is expected to disrupt CEP290 protein function with a positive predictive value of 80%. In summary, the available evidence is currently insufficient to determine the role of this variant in disease. Therefore, it has been classified as a Variant of Uncertain Significance.

Blueprint Genetics
Classification: Uncertain significance. Last evaluated: 2023-08-25. Review status: criteria provided, single submitter. Criteria: ACMG Guidelines, 2015. Collection method: clinical testing. Allele origin: germline.

Fulgent Genetics
Classification: Uncertain significance for Joubert syndrome 5; Senior-Loken syndrome 6; Meckel syndrome, type 4; Leber congenital amaurosis 10; Bardet-Biedl syndrome 14. Last evaluated: 2022-04-19. Review status: criteria provided, single submitter. Criteria: ACMG Guidelines, 2015. Collection method: clinical testing. Allele origin: unknown.

Illumina Laboratory Services, Illumina
Classification: Uncertain significance for Senior-Loken syndrome 6. Last evaluated: 2018-01-12. Review status: criteria provided, single submitter. Criteria: ICSL Variant Classification Criteria 13 December 2019. Collection method: clinical testing. Allele origin: germline.

Illumina Laboratory Services, Illumina
Classification: Uncertain significance for Leber congenital amaurosis 10. Last evaluated: 2018-01-12. Review status: criteria provided, single submitter. Criteria: ICSL Variant Classification Criteria 13 December 2019. Collection method: clinical testing. Allele origin: germline.

Illumina Laboratory Services, Illumina
Classification: Uncertain significance for Bardet-Biedl syndrome 14. Last evaluated: 2018-01-12. Review status: criteria provided, single submitter. Criteria: ICSL Variant Classification Criteria 13 December 2019. Collection method: clinical testing. Allele origin: germline.

Illumina Laboratory Services, Illumina
Classification: Uncertain significance for Joubert syndrome 5. Last evaluated: 2018-01-12. Review status: criteria provided, single submitter. Criteria: ICSL Variant Classification Criteria 13 December 2019. Collection method: clinical testing. Allele origin: germline.

Illumina Laboratory Services, Illumina
Classification: Uncertain significance for Meckel syndrome, type 4. Last evaluated: 2018-01-12. Review status: criteria provided, single submitter. Criteria: ICSL Variant Classification Criteria 13 December 2019. Collection method: clinical testing. Allele origin: germline.

Natera, Inc.
Classification: Uncertain significance for Leber congenital amaurosis. Last evaluated: 2020-09-16. Review status: no assertion criteria provided. Collection method: clinical testing. Allele origin: germline. Not counted in ClinVar's aggregate classification.

Centre de Biologie Pathologie Génétique, Centre Hospitalier Universitaire de Lille
Classification: Likely benign for Intellectual disability. Last evaluated: 2019-01-01. Review status: no assertion criteria provided. Collection method: clinical testing. Allele origin: inherited. Affected: yes. Not counted in ClinVar's aggregate classification.

Department of Pathology and Laboratory Medicine, Sinai Health System
Classification: Uncertain significance. Review status: no assertion criteria provided. Collection method: clinical testing. Allele origin: unknown. Affected: yes. Study: The Canadian Open Genetics Repository (COGR). Not counted in ClinVar's aggregate classification.
Comment: The CEP290 p.Arg1729Trp variant was not identified in the literature nor was it identified in Cosmic or LOVD 3.0. The variant was identified in dbSNP (ID: rs201353893) and ClinVar (variant is classified as VUS by GeneDx). The variant was identified in control databases in 47 of 277796 chromosomes at a frequency of 0.000169 (Genome Aggregation Database Feb 27, 2017). The variant was observed in the following populations: European (non-Finnish) in 38 of 126646 chromosomes (freq: 0.0003), African in 5 of 24066 chromosomes (freq: 0.000208), Latino in 3 of 35014 chromosomes (freq: 0.000086) and South Asian in 1 of 30438 chromosomes (freq: 0.000033); it was not observed in the Ashkenazi Jewish, East Asian, European (Finnish) and Other populations. The variant occurs outside of the splicing consensus sequence and in silico or computational prediction software programs (SpliceSiteFinder, MaxEntScan, NNSPLICE, GeneSplicer) do not predict a difference in splicing. The p.Arg1729 residue is conserved in mammals but not in more distantly related organisms, and four out of five computational analyses (PolyPhen-2, SIFT, BLOSUM, MutationTaster) suggest that the variant may impact the protein; however, this information is not predictive enough to assume pathogenicity. In summary, based on the above information the clinical significance of this variant cannot be determined with certainty at this time. This variant is classified as a variant of uncertain significance.

NM_025114.4(CEP290):c.5185C>T (p.Arg1729Trp)

Gene: CEP290 (centrosomal protein 290; minus strand). Cytogenetic location: 12q21.32.
Variant type: single nucleotide variant.
Coding change: c.5185C>T on transcript NM_025114.4 (MANE Select); coding-DNA position 5185, C replaced by T.
Protein change: p.Arg1729Trp; replaces arginine 1729 with tryptophan.
Molecular consequence: missense variant.
Genome position (GRCh38, 1-based): chr12:88,080,223, G>A on the plus strand (C>T on the coding strand, the complement: CEP290 is on the minus strand). VCF-style: chr12-88080223-G-A. GRCh37 (hg19) VCF-style: chr12-88474000-G-A.
Other names: short protein forms R1729W.
Identifiers: ClinVar variation 421248 (VCV000421248.25), dbSNP rs201353893, ClinGen allele CA6711781.